The following is an entry in ClinVar:

ClinVar aggregate classification (germline): Pathogenic (1 of 4 stars; one submission).

Conditions:
Mucopolysaccharidosis type 7 (MPS7). Also called: BETA-GLUCURONIDASE DEFICIENCY; MPS VII; GUSB DEFICIENCY; SLY SYNDROME. Identifiers: Orphanet 584, MedGen C0085132, MONDO:0009662, OMIM 253220.

Submission:

Labcorp Genetics (formerly Invitae), Labcorp
Classification: Pathogenic for Mucopolysaccharidosis type 7. Last evaluated: 2022-03-29. Review status: criteria provided, single submitter. Criteria: Invitae Variant Classification Sherloc (09022015). Collection method: clinical testing. Allele origin: germline.
Comment: This variant is not present in population databases (gnomAD no frequency). This sequence change creates a premature translational stop signal (p.Trp9Glyfs*97) in the GUSB gene. It is expected to result in an absent or disrupted protein product. Loss-of-function variants in GUSB are known to be pathogenic (PMID: 19224584). This variant has not been reported in the literature in individuals affected with GUSB-related conditions. For these reasons, this variant has been classified as Pathogenic.

Literature cited by the submitters: PubMed 19224584.

NM_000181.4(GUSB):c.24del (p.Trp9fs)

Gene: GUSB (glucuronidase beta; minus strand). Cytogenetic location: 7q11.21.
Variant type: Deletion.
Coding change: c.24del on transcript NM_000181.4 (MANE Select); coding-DNA position 24, one base deleted (C; older notation c.24delC).
Protein change: p.Trp9fs; shifts the reading frame from tryptophan 9.
Molecular consequence: frameshift variant. On other transcripts: 5 prime UTR variant (2), non-coding transcript variant (1).
Genome position (GRCh38, 1-based): chr7:65,982,160, G deleted on the plus strand (C on the coding strand, the reverse complement: GUSB is on the minus strand); the first of 2 consecutive G bases (chr7:65,982,160-65,982,161); deleting either gives the same sequence. VCF-style (leftmost placement, unchanged base first): chr7-65982159-AG-A. GRCh37 (hg19) VCF-style: chr7-65447146-AG-A.
Other names: c.24del, p.Trp9fs (NM_001284290.2); c.-362del (NM_001293104.2); c.-306del (NM_001293105.2); short protein forms W9fs.
Identifiers: ClinVar variation 2111403 (VCV002111403.4), dbSNP rs2484858985, ClinGen allele CA2580077325.
Genomic context (GRCh38, chr7:65,982,159, plus strand): 5'-ACAGCATCCCGCCCTGCAGCCCCAGCGCGCAGCCCCACAACAACGGCCCGAGCGCCGCCC[AG>A]GCAACCGCCGACCCCCGGGCCATGCTTCCCGGTCCCCCGCTCGGCCACCGTCTGCGGCGC-3'